The following is an entry in ClinVar:

NM_018662.3(DISC1):c.347C>T (p.Ala116Val)

Genes: DISC1 (DISC1 scaffold protein; plus strand), TSNAX-DISC1 (TSNAX-DISC1 readthrough (NMD candidate); plus strand). Cytogenetic location: 1q42.2.
Variant type: single nucleotide variant.
Coding change: c.347C>T on transcript NM_018662.3 (MANE Select); coding-DNA position 347, C replaced by T.
Protein change: p.Ala116Val; replaces alanine 116 with valine.
Molecular consequence: missense variant. On other transcripts: non-coding transcript variant (8), intron variant (1).
Genome position (GRCh38, 1-based): chr1:231,694,105, C>T. VCF-style: chr1-231694105-C-T. GRCh37 (hg19) VCF-style: chr1-231829851-C-T.
Other names: c.347C>T, p.Ala116Val (NM_001012957.2, NM_001012958.2, NM_001012959.2 and 18 more transcripts); c.68-55821C>T (NM_001164556.2); short protein forms A116V.
Identifiers: ClinVar variation 3033253 (VCV003033253.2), dbSNP rs56020408, ClinGen allele CA1453586.

ClinVar aggregate classification (germline): Benign (0 of 4 stars; one submission).

Conditions:
DISC1-related disorder. Also called: DISC1-related condition.

Allele frequency attached by ClinVar (database versions not stated): gnomAD exomes 0.00025; gnomAD 0.00050; TOPMed 0.00053; ExAC 0.00083; 1000 Genomes Project 30x 0.00203; 1000 Genomes Project 0.00240.
gnomAD v4.1: 468 of 1,614,166 alleles (0.029%); highest among the groups gnomAD compares: East Asian, 0.81%; 4 homozygotes.

Submission:

PreventionGenetics, part of Exact Sciences
Classification: Benign for DISC1-related condition. Last evaluated: 2019-06-18. Review status: no assertion criteria provided. Collection method: clinical testing. Allele origin: germline.
Comment: This variant is classified as benign based on ACMG/AMP sequence variant interpretation guidelines (Richards et al. 2015 PMID: 25741868, with internal and published modifications).